The following is an entry in ClinVar:

NM_001130987.2(DYSF):c.2888G>A (p.Gly963Asp)

Gene: DYSF (dysferlin; plus strand). Cytogenetic location: 2p13.2.
Variant type: single nucleotide variant.
Coding change: c.2888G>A on transcript NM_001130987.2 (MANE Select); coding-DNA position 2888, G replaced by A.
Protein change: p.Gly963Asp; replaces glycine 963 with aspartic acid.
Molecular consequence: missense variant.
Genome position (GRCh38, 1-based): chr2:71,569,843, G>A. VCF-style: chr2-71569843-G-A. GRCh37 (hg19) VCF-style: chr2-71796973-G-A.
Other names: c.2837G>A, p.Gly946Asp (NM_001130455.2, NM_001130983.2); c.2792G>A, p.Gly931Asp (NM_001130976.2, NM_001130977.2); c.2834G>A, p.Gly945Asp (NM_001130978.2, NM_003494.4); c.2927G>A, p.Gly976Asp (NM_001130979.2); c.2885G>A, p.Gly962Asp (NM_001130980.2, NM_001130981.2); c.2930G>A, p.Gly977Asp (NM_001130982.2); c.2795G>A, p.Gly932Asp (NM_001130984.2, NM_001130986.2); c.2888G>A, p.Gly963Asp (NM_001130985.2); short protein forms G945D, G962D, G963D, G976D, G931D, G977D, G932D, G946D.
Identifiers: ClinVar variation 2116089 (VCV002116089.1), dbSNP rs764369624, ClinGen allele CA347215917.

ClinVar aggregate classification (germline): Uncertain significance (1 of 4 stars; one submission).

Conditions:
Neuromuscular disease caused by qualitative or quantitative defects of dysferlin. Also called: Qualitative or quantitative defects of dysferlin; Dysferlinopathy. Identifiers: Orphanet 207073, MedGen C2931687, MONDO:0016145.

Submission:

Labcorp Genetics (formerly Invitae), Labcorp
Classification: Uncertain significance for Neuromuscular disease caused by qualitative or quantitative defects of dysferlin. Last evaluated: 2022-03-23. Review status: criteria provided, single submitter. Criteria: Invitae Variant Classification Sherloc (09022015). Collection method: clinical testing. Allele origin: germline.
Comment: This sequence change replaces glycine, which is neutral and non-polar, with aspartic acid, which is acidic and polar, at codon 945 of the DYSF protein (p.Gly945Asp). This variant is not present in population databases (gnomAD no frequency). This variant has not been reported in the literature in individuals affected with DYSF-related conditions. Advanced modeling of protein sequence and biophysical properties (such as structural, functional, and spatial information, amino acid conservation, physicochemical variation, residue mobility, and thermodynamic stability) performed at Invitae indicates that this missense variant is expected to disrupt DYSF protein function. In summary, the available evidence is currently insufficient to determine the role of this variant in disease. Therefore, it has been classified as a Variant of Uncertain Significance.